The following is an entry in ClinVar:

NM_000218.3(KCNQ1):c.1394-16931C>A

Genes: KCNQ1 (potassium voltage-gated channel subfamily Q member 1; plus strand), KCNQ1OT1 (KCNQ1 opposite strand/antisense transcript 1; minus strand). Cytogenetic location: 11p15.5.
Variant type: single nucleotide variant.
Coding change: c.1394-16931C>A on transcript NM_000218.3 (MANE Select); 16931 bases into the intron before coding-DNA position 1394, C replaced by A.
Molecular consequence: intron variant.
Genome position (GRCh38, 1-based): chr11:2,645,030, C>A. VCF-style: chr11-2645030-C-A. GRCh37 (hg19) VCF-style: chr11-2666260-C-A.
Other names: c.1124-16931C>A (NM_001406837.1); c.1298-16931C>A (NM_001406836.1); c.854-16931C>A (NM_001406838.1); c.1013-16931C>A (NM_181798.2).
Identifiers: ClinVar variation 2498486 (VCV002498486.28), dbSNP rs150063693, ClinGen allele CA216157621.

ClinVar aggregate classification (germline): Benign (1 of 4 stars; one submission).

Allele frequency attached by ClinVar (database versions not stated): TOPMed 0.00035; gnomAD 0.00043; 1000 Genomes Project 0.00100; 1000 Genomes Project 30x 0.00109; gnomAD exomes 0.00234.
gnomAD v4.1: 615 of 398,774 alleles (0.15%); highest among the groups gnomAD compares: East Asian, 1.8%; 3 homozygotes.

Submission:

CeGaT Center for Human Genetics Tuebingen
Classification: Benign. Last evaluated: 2024-03-01. Review status: criteria provided, single submitter. Criteria: CeGaT Center For Human Genetics Tuebingen Variant Classification Criteria Version 2. Collection method: clinical testing. Allele origin: germline. Affected: yes. Observed: 5 variant alleles.
Comment: KCNQ1OT1: BS1, BS2